The following is an entry in ClinVar:

NM_020822.3(KCNT1):c.3184_3210dup (p.Glu1070_Asp1071insIleSerValAsnValGluAspCysGlu)

Gene: KCNT1 (potassium sodium-activated channel subfamily T member 1; plus strand). Cytogenetic location: 9q34.3.
Variant type: Duplication.
Coding change: c.3184_3210dup on transcript NM_020822.3 (MANE Select); coding-DNA positions 3184 to 3210, 27 bases duplicated (ATCTCGGTGAACGTGGAGGACTGTGAG).
Protein change: p.Glu1070_Asp1071insIleSerValAsnValGluAspCysGlu.
Molecular consequence: inframe insertion.
Genome position (GRCh38, 1-based): chr9:135,786,203-135,786,229, ATCTCGGTGAACGTGGAGGACTGTGAG duplicated; duplicating any 27 consecutive bases within chr9:135,786,201-135,786,229 gives the same sequence; the c. name uses the placement nearest the transcript's 3' end. VCF-style (leftmost placement, unchanged base first): chr9-135786200-C-CAGATCTCGGTGAACGTGGAGGACTGTG. GRCh37 (hg19) VCF-style: chr9-138678046-C-CAGATCTCGGTGAACGTGGAGGACTGTG.
Other names: c.3049_3075dup, p.Glu1025_Asp1026insIleSerValAsnValGluAspCysGlu (NM_001272003.2).
Identifiers: ClinVar variation 1970599 (VCV001970599.5), dbSNP rs2491103839, ClinGen allele CA2580080080.

ClinVar aggregate classification (germline): Uncertain significance (1 of 4 stars; one submission).

Conditions:
Autosomal dominant nocturnal frontal lobe epilepsy 5. Also called: Epilepsy, nocturnal frontal lobe, 5; CILIARY DYSKINESIA, PRIMARY, 28, WITHOUT SITUS INVERSUS; CILIARY DYSKINESIA, PRIMARY, 28, WITH SITUS INVERSUS; KCNT1-Related Epilepsy. Identifiers: Orphanet 98784, MedGen C3554306, MONDO:0014002, OMIM 615005.
Developmental and epileptic encephalopathy, 14 (DEE14). Also called: Early infantile epileptic encephalopathy 14. Identifiers: Orphanet 293181, MedGen C3554195, MONDO:0013989, OMIM 614959.

Submission:

Labcorp Genetics (formerly Invitae), Labcorp
Classification: Uncertain significance for Autosomal dominant nocturnal frontal lobe epilepsy 5; Developmental and epileptic encephalopathy, 14. Last evaluated: 2023-06-09. Review status: criteria provided, single submitter. Criteria: Invitae Variant Classification Sherloc (09022015). Collection method: clinical testing. Allele origin: germline.
Comment: In summary, the available evidence is currently insufficient to determine the role of this variant in disease. Therefore, it has been classified as a Variant of Uncertain Significance. ClinVar contains an entry for this variant (Variation ID: 1970599). This variant has not been reported in the literature in individuals affected with KCNT1-related conditions. This variant is not present in population databases (gnomAD no frequency). This variant, c.3184_3210dup, results in the insertion of 9 amino acid(s) of the KCNT1 protein (p.Ile1062_Glu1070dup), but otherwise preserves the integrity of the reading frame.